The following is an entry in ClinVar:

NM_000158.4(GBE1):c.773C>T (p.Ala258Val)

Gene: GBE1 (1,4-alpha-glucan branching enzyme 1; minus strand). Cytogenetic location: 3p12.2.
Variant type: single nucleotide variant.
Coding change: c.773C>T on transcript NM_000158.4 (MANE Select); coding-DNA position 773, C replaced by T.
Protein change: p.Ala258Val; replaces alanine 258 with valine.
Molecular consequence: missense variant.
Genome position (GRCh38, 1-based): chr3:81,646,401, G>A on the plus strand (C>T on the coding strand, the complement: GBE1 is on the minus strand). VCF-style: chr3-81646401-G-A. GRCh37 (hg19) VCF-style: chr3-81695552-G-A.
Other names: short protein forms A258V.
Identifiers: ClinVar variation 5006701 (VCV005006701.2).

ClinVar aggregate classification (germline): Likely pathogenic (1 of 4 stars; one submission).

Conditions:
Glycogen storage disease, type IV (GSD4). Also called: AMYLOPECTINOSIS; ANDERSEN DISEASE; BRANCHER DEFICIENCY; CIRRHOSIS, FAMILIAL, WITH DEPOSITION OF ABNORMAL GLYCOGEN; Glycogen storage disease due to glycogen branching enzyme deficiency; GBE1 DEFICIENCY. Identifiers: Orphanet 367, MedGen C0017923, MONDO:0009292, OMIM 232500.
Adult polyglucosan body disease (APBN). Also called: GBE1-Adult Polyglucosan Body Disease; POLYGLUCOSAN BODY DISEASE, ADULT FORM. Identifiers: Orphanet 206583, MedGen C1849722, MONDO:0009897, OMIM 263570.

gnomAD v4.1: 1 of 1,588,986 alleles (0.000063%); highest among the groups gnomAD compares: East Asian, 0.0022%; no homozygotes.

Submission:

Juno Genomics, Hangzhou Juno Genomics, Inc
Classification: Likely pathogenic for Glycogen storage disease, type IV; Adult polyglucosan body disease. Review status: criteria provided, single submitter. Criteria: ACMG Guidelines, 2015. Collection method: clinical testing. Allele origin: germline.
Comment: Absent from controls (or at extremely low frequency if recessive) in Genome Aggregation Database.;Multiple lines of computational evidence support a deleterious effect on the gene or gene product.;Patient's phenotype or family history is highly specific for a disease with a single genetic etiology.